The following is an entry in ClinVar:

NM_001048174.2(MUTYH):c.1118T>A (p.Leu373Gln)

Gene: MUTYH (mutY DNA glycosylase; minus strand). Cytogenetic location: 1p34.1.
Variant type: single nucleotide variant.
Coding change: c.1118T>A on transcript NM_001048174.2 (MANE Select); coding-DNA position 1118, T replaced by A.
Protein change: p.Leu373Gln; replaces leucine 373 with glutamine.
Molecular consequence: missense variant. On other transcripts: non-coding transcript variant (2).
Genome position (GRCh38, 1-based): chr1:45,331,541, A>T on the plus strand (T>A on the coding strand, the complement: MUTYH is on the minus strand). VCF-style: chr1-45331541-A-T. GRCh37 (hg19) VCF-style: chr1-45797213-A-T.
Other names: c.1118T>A, p.Leu373Gln (NM_001048171.2, NM_001048173.2, NM_001293195.2); c.1121T>A, p.Leu374Gln (NM_001048172.2); c.1202T>A, p.Leu401Gln (NM_001128425.2); c.1163T>A, p.Leu388Gln (NM_001293190.2); c.1151T>A, p.Leu384Gln (NM_001293191.2); c.842T>A, p.Leu281Gln (NM_001293192.2, NM_001293196.2); c.773T>A, p.Leu258Gln (NM_001350650.2, NM_001350651.2); c.1193T>A, p.Leu398Gln (NM_012222.3); short protein forms L401Q, L374Q, L281Q, L384Q, L398Q, L258Q, L373Q, L388Q.
Identifiers: ClinVar variation 567406 (VCV000567406.8), dbSNP rs1557461836, ClinGen allele CA340133149.

ClinVar aggregate classification (germline): Uncertain significance (1 of 4 stars; one submission).

Conditions:
Familial adenomatous polyposis 2. Also called: MYH-associated polyposis; FAP type 2; COLORECTAL ADENOMATOUS POLYPOSIS, AUTOSOMAL RECESSIVE; ADENOMAS, MULTIPLE COLORECTAL, AUTOSOMAL RECESSIVE; MUTYH-related attenuated familial adenomatous polyposis; MUTYH Polyposis. Identifiers: Orphanet 220460, Orphanet 247798, MedGen C3272841, MONDO:0012041, OMIM 608456.

Submission:

Labcorp Genetics (formerly Invitae), Labcorp
Classification: Uncertain significance for Familial adenomatous polyposis 2. Last evaluated: 2024-06-21. Review status: criteria provided, single submitter. Criteria: Invitae Variant Classification Sherloc (09022015). Collection method: clinical testing. Allele origin: germline.
Comment: This sequence change replaces leucine, which is neutral and non-polar, with glutamine, which is neutral and polar, at codon 401 of the MUTYH protein (p.Leu401Gln). This variant is not present in population databases (gnomAD no frequency). This variant has not been reported in the literature in individuals affected with MUTYH-related conditions. ClinVar contains an entry for this variant (Variation ID: 567406). An algorithm developed to predict the effect of missense changes on protein structure and function (PolyPhen-2) suggests that this variant is likely to be disruptive. In summary, the available evidence is currently insufficient to determine the role of this variant in disease. Therefore, it has been classified as a Variant of Uncertain Significance.